The following is an entry in ClinVar:

ClinVar aggregate classification (germline): Uncertain significance (1 of 4 stars; one submission).

Conditions:
Wilms tumor 1 (WT1). Also called: Wilms tumor, somatic. Identifiers: Orphanet 654, MedGen CN033288, MONDO:0008679, OMIM 194070.

Submission:

Labcorp Genetics (formerly Invitae), Labcorp
Classification: Uncertain significance for Wilms tumor 1. Last evaluated: 2022-02-20. Review status: criteria provided, single submitter. Criteria: Invitae Variant Classification Sherloc (09022015). Collection method: clinical testing. Allele origin: germline.
Comment: In summary, the available evidence is currently insufficient to determine the role of this variant in disease. Therefore, it has been classified as a Variant of Uncertain Significance. Algorithms developed to predict the effect of missense changes on protein structure and function are either unavailable or do not agree on the potential impact of this missense change (SIFT: "Deleterious"; PolyPhen-2: "Probably Damaging"; Align-GVGD: "Class C0"). This variant has not been reported in the literature in individuals affected with GPC3-related conditions. This variant is not present in population databases (gnomAD no frequency). This sequence change replaces leucine, which is neutral and non-polar, with serine, which is neutral and polar, at codon 405 of the GPC3 protein (p.Leu405Ser).

NM_004484.4(GPC3):c.1214T>C (p.Leu405Ser)

Gene: GPC3 (glypican 3; minus strand). Cytogenetic location: Xq26.2.
Variant type: single nucleotide variant.
Coding change: c.1214T>C on transcript NM_004484.4 (MANE Select); coding-DNA position 1214, T replaced by C.
Protein change: p.Leu405Ser; replaces leucine 405 with serine.
Molecular consequence: missense variant.
Genome position (GRCh38, 1-based): chrX:133,692,447, A>G on the plus strand (T>C on the coding strand, the complement: GPC3 is on the minus strand). VCF-style: chrX-133692447-A-G. GRCh37 (hg19) VCF-style: chrX-132826475-A-G.
Other names: c.1283T>C, p.Leu428Ser (NM_001164617.2); c.1166T>C, p.Leu389Ser (NM_001164618.2); c.1052T>C, p.Leu351Ser (NM_001164619.2); short protein forms L389S, L405S, L351S, L428S.
Identifiers: ClinVar variation 1481345 (VCV001481345.6), dbSNP rs2071073967, ClinGen allele CA414705618.